The following is an entry in ClinVar:

ClinVar aggregate classification (germline): not provided (0 of 4 stars; one submission).

Allele frequency attached by ClinVar (database versions not stated): gnomAD exomes 0.00002; gnomAD 0.00006 and 0.00007; TOPMed 0.00016; 1000 Genomes Project 0.00040; 1000 Genomes Project 30x 0.00047.
gnomAD v4.1: 16 of 353,806 alleles (0.0045%); highest among the groups gnomAD compares: Admixed American, 0.038%; no homozygotes.

Submission:

Human Evolutionary Genetics, Institut Pasteur
No classification provided. Review status: no classification provided. Collection method: not provided. Allele origin: germline.
ClinVar note: Converted during submission from untested to not provided.

NM_001276700.2(NLRP6):c.30-335G>A

Gene: NLRP6 (NLR family pyrin domain containing 6; plus strand). Cytogenetic location: 11p15.5.
Variant type: single nucleotide variant.
Coding change: c.30-335G>A on transcript NM_001276700.2 (MANE Select); 335 bases into the intron before coding-DNA position 30, G replaced by A.
Molecular consequence: intron variant.
Genome position (GRCh38, 1-based): chr11:278,992, G>A. VCF-style: chr11-278992-G-A. GRCh37 (hg19) VCF-style: chr11-278992-G-A.
Other names: c.30-335G>A (NM_138329.2).
Identifiers: ClinVar variation 103249 (VCV000103249.2), dbSNP rs199475791, ClinGen allele CA230315.
Genomic context (GRCh38, chr11:278,992, plus strand): 5'-AAAGAAGGAAAGCGAGGAAAGAGAGCTCAGGGTTCCTTGGAAATACCTCCCTCGGGGCAT[G>A]TGACCTGTCCTGGGGTGTGGAAGGACAGAAGCAGAAAGGGAGGTGCAGGGGAGGAAGGTG-3'